The following is an entry in ClinVar:

ClinVar aggregate classification (germline): Uncertain significance. Review status: criteria provided, multiple submitters, no conflicts (2 of 4 stars). 4 submissions from 4 submitters: Uncertain significance (4). Last evaluated 2024-11-11.

Conditions:
Inborn genetic diseases. Identifiers: MedGen C0950123, MeSH D030342.

Allele frequency attached by ClinVar (database versions not stated): TOPMed 0.00011; gnomAD exomes 0.00012; gnomAD 0.00015 and 0.00016; ExAC 0.00016.
gnomAD v4.1: 225 of 1,614,080 alleles (0.014%); highest among the groups gnomAD compares: Non-Finnish European, 0.018%; no homozygotes.

Submissions (4):

Ambry Genetics
Classification: Uncertain significance for Inborn genetic diseases. Last evaluated: 2024-11-11. Review status: criteria provided, single submitter. Criteria: Ambry Variant Classification Scheme 2023. Collection method: clinical testing. Allele origin: germline.

GeneDx
Classification: Uncertain significance. Last evaluated: 2023-05-31. Review status: criteria provided, single submitter. Criteria: GeneDx Variant Classification Process June 2021. Collection method: clinical testing. Allele origin: germline. Affected: yes.
Comment: In silico analysis supports that this missense variant does not alter protein structure/function; Has not been previously published as pathogenic or benign to our knowledge

Labcorp Genetics (formerly Invitae), Labcorp
Classification: Uncertain significance. Last evaluated: 2022-08-23. Review status: criteria provided, single submitter. Criteria: Invitae Variant Classification Sherloc (09022015). Collection method: clinical testing. Allele origin: germline.
Comment: This sequence change replaces serine, which is neutral and polar, with threonine, which is neutral and polar, at codon 57 of the VAC14 protein (p.Ser57Thr). This variant is present in population databases (rs201782715, gnomAD 0.03%). This variant has not been reported in the literature in individuals affected with VAC14-related conditions. ClinVar contains an entry for this variant (Variation ID: 1446833). Algorithms developed to predict the effect of missense changes on protein structure and function (SIFT, PolyPhen-2, Align-GVGD) all suggest that this variant is likely to be tolerated. In summary, the available evidence is currently insufficient to determine the role of this variant in disease. Therefore, it has been classified as a Variant of Uncertain Significance.

Breakthrough Genomics
Classification: Uncertain significance. Review status: criteria provided, single submitter. Criteria: ACMG Guidelines, 2015. Collection method: not provided. Allele origin: germline. Inheritance: Autosomal recessive inheritance. Affected: yes.

NM_018052.5(VAC14):c.169T>A (p.Ser57Thr)

Gene: VAC14 (VAC14 component of PIKFYVE complex; minus strand). Cytogenetic location: 16q22.1.
Variant type: single nucleotide variant.
Coding change: c.169T>A on transcript NM_018052.5 (MANE Select); coding-DNA position 169, T replaced by A.
Protein change: p.Ser57Thr; replaces serine 57 with threonine.
Molecular consequence: missense variant. On other transcripts: intron variant (1).
Genome position (GRCh38, 1-based): chr16:70,786,301, A>T on the plus strand (T>A on the coding strand, the complement: VAC14 is on the minus strand). VCF-style: chr16-70786301-A-T. GRCh37 (hg19) VCF-style: chr16-70820204-A-T.
Other names: c.-447-432T>A (NM_001351157.2); c.169T>A (NM_018052.3); short protein forms S57T.
Identifiers: ClinVar variation 1446833 (VCV001446833.6), dbSNP rs201782715, ClinGen allele CA8148170.
Genomic context (GRCh38, chr16:70,786,301, plus strand): 5'-CCAGGCCGATGAGGCCCCCTTTCCGGCTGTGGGGGTGCTGAGACAGGGCAAACTCCTGGG[A>T]CAGGGTCTGGATCACATGCTTGATTTGCACGGTATTGTTCTGGGCCACGAACTCCCGGAC-3'
Protein context (NP_060522.3, residues 47-67): VQIKHVIQTL[Ser57Thr]QEFALSQHPH